The following is an entry in ClinVar:

NM_000016.6(ACADM):c.217-1G>A

Gene: ACADM (acyl-CoA dehydrogenase medium chain; plus strand). Cytogenetic location: 1p31.1.
Variant type: single nucleotide variant.
Coding change: c.217-1G>A on transcript NM_000016.6 (MANE Select); the canonical splice acceptor site of the intron before coding-DNA position 217, G replaced by A.
Molecular consequence: splice acceptor variant.
Genome position (GRCh38, 1-based): chr1:75,732,852, G>A. VCF-style: chr1-75732852-G-A. GRCh37 (hg19) VCF-style: chr1-76198537-G-A.
Other names: c.229-1G>A (NM_001127328.3); c.217-1G>A (NM_001286043.2); c.109-1G>A (NM_001286042.2); c.-169-1G>A (NM_001286044.2).
Identifiers: ClinVar variation 643196 (VCV000643196.13), dbSNP rs1570861829, ClinGen allele CA340809700.
Genomic context (GRCh38, chr1:75,732,852, plus strand): 5'-ATTATGTAATCAAACTATCTGGATTTCAAAATATATTTTAACTCAGTTCTTTTTCTTCTA[G>A]TATCCAGTCCCCCTAATTAGAAGAGCCTGGGAACTTGGTTTAATGAACACACACATTCCA-3'

ClinVar aggregate classification (germline): Pathogenic/Likely pathogenic. Review status: criteria provided, multiple submitters, no conflicts (2 of 4 stars). 4 submissions from 4 submitters: Pathogenic (3); Likely pathogenic (1). Last evaluated 2025-08-18.

Conditions:
Medium-chain acyl-coenzyme A dehydrogenase deficiency (ACADMD). Also called: Medium chain acyl-CoA dehydrogenase deficiency; ACADM DEFICIENCY; CARNITINE DEFICIENCY SECONDARY TO MEDIUM-CHAIN ACYL-CoA DEHYDROGENASE DEFICIENCY; MCADD; MCAD Deficiency; MCADH DEFICIENCY. Identifiers: Orphanet 42, MedGen C0220710, MONDO:0008721, OMIM 201450.

Allele frequency attached by ClinVar (database versions not stated): gnomAD exomes below 0.00001.
gnomAD v4.1: 2 of 1,612,826 alleles (0.00012%); highest among the groups gnomAD compares: African/African-American, 0.0027%; no homozygotes.

Submissions (4):

Natera, Inc.
Classification: Pathogenic for Medium Chain Acyl-CoA Dehydrogenase Deficiency. Last evaluated: 2025-08-18. Review status: criteria provided, single submitter. Criteria: Natera Variant Classification Schema (03/2026). Collection method: clinical testing. Allele origin: germline.
Comment: The c.217-1G>A variant in ACADM is a canonical splice acceptor site variant predicted to affect pre-mRNA splicing, which may result in an abnormal transcript and altered protein product. This variant is expected to result in nonsense mediated decay, truncation, or a dysfunctional protein product. This variant is rare in the general population with a frequency below the threshold expected for the associated phenotype(s). Another variant at this same site results in an alteration predicted to cause a similar molecular effect has been observed in individual(s) with the associated phenotype. Given the available evidence, this variant is classified as Pathogenic.

GeneDx
Classification: Pathogenic. Last evaluated: 2024-12-05. Review status: criteria provided, single submitter. Criteria: GeneDx Variant Classification Process June 2021. Collection method: clinical testing. Allele origin: germline. Affected: yes.
Comment: Canonical splice site variant predicted to result in a null allele in a gene for which loss of function is a known mechanism of disease; Not observed at significant frequency in large population cohorts (gnomAD); Has not been previously published as pathogenic or benign to our knowledge; This variant is associated with the following publications: (PMID: 32778825)

Baylor Genetics
Classification: Likely pathogenic for Medium-chain acyl-coenzyme A dehydrogenase deficiency. Last evaluated: 2024-03-27. Review status: criteria provided, single submitter. Criteria: ACMG Guidelines, 2015. Collection method: clinical testing. Allele origin: unknown.

Labcorp Genetics (formerly Invitae), Labcorp
Classification: Pathogenic for Medium-chain acyl-coenzyme A dehydrogenase deficiency. Last evaluated: 2023-04-28. Review status: criteria provided, single submitter. Criteria: Invitae Variant Classification Sherloc (09022015). Collection method: clinical testing. Allele origin: germline.
Comment: This variant is not present in population databases (gnomAD no frequency). This sequence change affects an acceptor splice site in intron 3 of the ACADM gene. It is expected to disrupt RNA splicing. Variants that disrupt the donor or acceptor splice site typically lead to a loss of protein function (PMID: 16199547), and loss-of-function variants in ACADM are known to be pathogenic (PMID: 16121256, 20434380). Disruption of this splice site has been observed in individuals with medium-chain acyl-CoA dehydrogenase deficiency (PMID: 15171999; Invitae). For these reasons, this variant has been classified as Pathogenic. Algorithms developed to predict the effect of sequence changes on RNA splicing suggest that this variant may disrupt the consensus splice site. ClinVar contains an entry for this variant (Variation ID: 643196).

Literature cited by the submitters: PubMed 16199547 (cited by Labcorp Genetics (formerly Invitae), Labcorp); PubMed 16121256 (cited by Labcorp Genetics (formerly Invitae), Labcorp); PubMed 20434380 (cited by Labcorp Genetics (formerly Invitae), Labcorp); PubMed 15171999 (cited by Labcorp Genetics (formerly Invitae), Labcorp).